The following is an entry in ClinVar:

ClinVar aggregate classification (germline): Uncertain significance (1 of 4 stars; one submission).

Conditions:
Intellectual developmental disorder 61. Also called: INTELLECTUAL DEVELOPMENTAL DISORDER, AUTOSOMAL DOMINANT 61; MENTAL RETARDATION, AUTOSOMAL DOMINANT 61. Identifiers: MedGen C5231400, MONDO:0032485, OMIM 618009.

Submission:

3billion
Classification: Uncertain significance for Intellectual developmental disorder 61. Last evaluated: 2025-06-10. Review status: criteria provided, single submitter. Criteria: ACMG Guidelines, 2015. Collection method: clinical testing. Allele origin: germline. Affected: yes.
Comment: The variant is not observed in the gnomAD v4.1.0 dataset. Predicted Consequence/Location: Stop-gained (nonsense): predicted to result in a loss or disruption of normal protein function through protein truncation. The predicted truncated protein may be shortened by less than 10%. Therefore, this variant is classified as VUS according to the recommendation of ACMG/AMP guideline.

NM_005121.3(MED13):c.6435T>A (p.Cys2145Ter)

Gene: MED13 (mediator complex subunit 13; minus strand). Cytogenetic location: 17q23.2.
Variant type: single nucleotide variant.
Coding change: c.6435T>A on transcript NM_005121.3 (MANE Select); coding-DNA position 6435, T replaced by A.
Protein change: p.Cys2145Ter; replaces cysteine 2145 with a stop codon.
Molecular consequence: nonsense.
Genome position (GRCh38, 1-based): chr17:61,946,558, A>T on the plus strand (T>A on the coding strand, the complement: MED13 is on the minus strand). VCF-style: chr17-61946558-A-T. GRCh37 (hg19) VCF-style: chr17-60023919-A-T.
Other names: short protein forms C2145*.
Identifiers: ClinVar variation 4855407 (VCV004855407.1).